The following is an entry in ClinVar:

NM_001365536.1(SCN9A):c.3905C>T (p.Ser1302Phe)

Genes: SCN1A-AS1 (SCN1A and SCN9A antisense RNA 1; plus strand), SCN9A (sodium voltage-gated channel alpha subunit 9; minus strand). Cytogenetic location: 2q24.3.
Variant type: single nucleotide variant.
Coding change: c.3905C>T on transcript NM_001365536.1 (MANE Select); coding-DNA position 3905, C replaced by T.
Protein change: p.Ser1302Phe; replaces serine 1302 with phenylalanine.
Molecular consequence: missense variant.
Genome position (GRCh38, 1-based): chr2:166,233,359, G>A on the plus strand (C>T on the coding strand, the complement: SCN9A is on the minus strand). VCF-style: chr2-166233359-G-A. GRCh37 (hg19) VCF-style: chr2-167089869-G-A.
Other names: c.3872C>T, p.Ser1291Phe (NM_002977.4); short protein forms S1291F, S1302F.
Identifiers: ClinVar variation 3761883 (VCV003761883.2).

ClinVar aggregate classification (germline): Uncertain significance (1 of 4 stars; one submission).

Conditions:
Neuropathy, hereditary sensory and autonomic, type 2A (HSAN2A). Also called: HSAN IIA; ACROOSTEOLYSIS, GIACCAI TYPE; ACROOSTEOLYSIS, NEUROGENIC; MORVAN DISEASE; NEUROPATHY, CONGENITAL SENSORY; NEUROPATHY, HEREDITARY SENSORY RADICULAR, AUTOSOMAL RECESSIVE. Identifiers: Orphanet 970, MedGen C2752089, MONDO:0024309, OMIM 201300.
Generalized epilepsy with febrile seizures plus, type 7 (GEFSP7). Also called: GEFS+, TYPE 7. Identifiers: Orphanet 36387, MedGen C2751778, MONDO:0013470, OMIM 613863.

Submission:

Labcorp Genetics (formerly Invitae), Labcorp
Classification: Uncertain significance for Neuropathy, hereditary sensory and autonomic, type 2A; Generalized epilepsy with febrile seizures plus, type 7. Last evaluated: 2024-12-30. Review status: criteria provided, single submitter. Criteria: Invitae Variant Classification Sherloc (09022015). Collection method: clinical testing. Allele origin: germline.
Comment: This sequence change replaces serine, which is neutral and polar, with phenylalanine, which is neutral and non-polar, at codon 1291 of the SCN9A protein (p.Ser1291Phe). This variant is not present in population databases (gnomAD no frequency). This variant has not been reported in the literature in individuals affected with SCN9A-related conditions. Invitae Evidence Modeling of protein sequence and biophysical properties (such as structural, functional, and spatial information, amino acid conservation, physicochemical variation, residue mobility, and thermodynamic stability) has been performed for this missense variant. However, the output from this modeling did not meet the statistical confidence thresholds required to predict the impact of this variant on SCN9A protein function. In summary, the available evidence is currently insufficient to determine the role of this variant in disease. Therefore, it has been classified as a Variant of Uncertain Significance.